The following is an entry in ClinVar:

ClinVar aggregate classification (germline): Likely benign. Review status: criteria provided, multiple submitters, no conflicts (2 of 4 stars). 3 submissions from 3 submitters: Likely benign (3). Last evaluated 2025-09-13.

Allele frequency attached by ClinVar (database versions not stated): ESP Exome Variant Server 0.00008; gnomAD exomes 0.00012 and 0.00017; TOPMed 0.00016; ExAC 0.00017; gnomAD 0.00017 and 0.00018; 1000 Genomes Project 30x 0.00031; 1000 Genomes Project 0.00040.
gnomAD v4.1: 273 of 1,609,644 alleles (0.017%); highest among the groups gnomAD compares: Non-Finnish European, 0.022%; no homozygotes.

Submissions (3):

Labcorp Genetics (formerly Invitae), Labcorp
Classification: Likely benign. Last evaluated: 2025-09-13. Review status: criteria provided, single submitter. Criteria: Invitae Variant Classification Sherloc (09022015). Collection method: clinical testing. Allele origin: germline.

Blueprint Genetics
Classification: Likely benign. Last evaluated: 2024-05-24. Review status: criteria provided, single submitter. Criteria: ACMG Guidelines, 2015. Collection method: clinical testing. Allele origin: germline.

CeGaT Center for Human Genetics Tuebingen
Classification: Likely benign. Last evaluated: 2024-02-01. Review status: criteria provided, single submitter. Criteria: CeGaT Center For Human Genetics Tuebingen Variant Classification Criteria Version 2. Collection method: clinical testing. Allele origin: germline. Affected: yes. Observed: 2 variant alleles.
Comment: TUBGCP6: BP4, BP7

NM_020461.4(TUBGCP6):c.3693C>T (p.Asp1231=)

Gene: TUBGCP6 (tubulin gamma complex component 6; minus strand). Cytogenetic location: 22q13.33.
Variant type: single nucleotide variant.
Coding change: c.3693C>T on transcript NM_020461.4 (MANE Select); coding-DNA position 3693, C replaced by T.
Protein change: p.Asp1231=; no amino-acid change (aspartic acid 1231 retained).
Molecular consequence: synonymous variant.
Genome position (GRCh38, 1-based): chr22:50,220,666, G>A on the plus strand (C>T on the coding strand, the complement: TUBGCP6 is on the minus strand). VCF-style: chr22-50220666-G-A. GRCh37 (hg19) VCF-style: chr22-50659095-G-A.
Identifiers: ClinVar variation 1099160 (VCV001099160.33), dbSNP rs144750345, ClinGen allele CA10307852.
Genomic context (GRCh38, chr22:50,220,666, plus strand): 5'-GCTGATGCTGGCGTCGGACACGTGTCCATGGGTGTTGCACCGTGACCGGATGGGAGCCAC[G>A]TCCGATACGTTCTCCCCAACCCTGATGCTGGTGTCAGACACATGTCCGTGGGTGTTCCAC-3'
Protein context (NP_065194.3, residues 1221-1241): TSIRVGENVS[Asp1231=]VAPIRSRCNT